The following is an entry in ClinVar:

NM_015267.4(CUX2):c.560+2T>C

Gene: CUX2 (cut like homeobox 2; plus strand). Cytogenetic location: 12q24.11.
Variant type: single nucleotide variant.
Coding change: c.560+2T>C on transcript NM_015267.4 (MANE Select); the canonical splice donor site of the intron after coding-DNA position 560, T replaced by C.
Molecular consequence: splice donor variant.
Genome position (GRCh38, 1-based): chr12:111,293,571, T>C. VCF-style: chr12-111293571-T-C. GRCh37 (hg19) VCF-style: chr12-111731375-T-C.
Other names: c.374+2T>C (NM_001370598.1).
Identifiers: ClinVar variation 2637377 (VCV002637377.1), dbSNP rs2499773573, ClinGen allele CA386721192.

ClinVar aggregate classification (germline): Uncertain significance (1 of 4 stars; one submission).

Conditions:
CUX2-related disorder. Also called: CUX2-related condition.

Submission:

PreventionGenetics, part of Exact Sciences
Classification: Uncertain significance for CUX2-related condition. Last evaluated: 2022-09-13. Review status: criteria provided, single submitter. Criteria: ACMG Guidelines, 2015. Collection method: clinical testing. Allele origin: germline.
Comment: The CUX2 c.560+2T>C variant is predicted to disrupt the GT donor site and interfere with normal splicing. To our knowledge, this variant has not been reported in the literature or in a large population database, indicating this variant is rare. The gnomAD data suggests that CUX2 is intolerant of loss-of-function variants (pLI=1), and at least one premature termination variant has been reported to be de novo in an individual with Autism spectrum disorder (De Rubeis et al. 2014. PubMed ID: 25363760). Although we suspect that this variant may be pathogenic, at this time, the clinical significance of this variant is uncertain due to the absence of conclusive functional and genetic evidence.